The following is an entry in ClinVar:

NC_000006.11:g.(?_135772926)_(135778775_?)del

Gene: AHI1 (Abelson helper integration site 1; minus strand). Cytogenetic location: 6q23.3.
Variant type: Deletion.
Identifiers: ClinVar variation 3245981 (VCV003245981.1).

ClinVar aggregate classification (germline): Likely pathogenic (1 of 4 stars; one submission).

Conditions:
Joubert syndrome. Also called: CEREBELLOPARENCHYMAL DISORDER IV; JOUBERT-BOLTSHAUSER SYNDROME; Familial aplasia of the vermis. Identifiers: Orphanet 475, MedGen C5979921, MONDO:0018772.

Submission:

Labcorp Genetics (formerly Invitae), Labcorp
Classification: Likely pathogenic for Joubert syndrome. Last evaluated: 2023-01-09. Review status: criteria provided, single submitter. Criteria: Invitae Variant Classification Sherloc (09022015). Collection method: clinical testing. Allele origin: unknown.
Comment: In summary, the currently available evidence indicates that the variant is pathogenic, but additional data are needed to prove that conclusively. Therefore, this variant has been classified as Likely Pathogenic. This variant has not been reported in the literature in individuals affected with AHI1-related conditions. This variant results in the deletion of exons 9-10 and part of exon 8 (c.1008_1440+1553del) of the AHI1 gene. It is expected to disrupt RNA splicing. Variants that disrupt the donor or acceptor splice site typically lead to a loss of protein function (PMID: 16199547), and loss-of-function variants in AHI1 are known to be pathogenic (PMID: 15322546, 16453322, 28442542, 29186038).

Literature cited by the submitters: PubMed 16199547; PubMed 15322546; PubMed 16453322; PubMed 28442542; PubMed 29186038.